The following is an entry in ClinVar:

NM_020975.6(RET):c.45G>A (p.Leu15=)

Gene: RET (ret proto-oncogene; plus strand). Cytogenetic location: 10q11.21.
Variant type: single nucleotide variant.
Coding change: c.45G>A on transcript NM_020975.6 (MANE Select); coding-DNA position 45, G replaced by A.
Protein change: p.Leu15=; no amino-acid change (leucine 15 retained).
Molecular consequence: synonymous variant.
Genome position (GRCh38, 1-based): chr10:43,077,303, G>A. VCF-style: chr10-43077303-G-A. GRCh37 (hg19) VCF-style: chr10-43572751-G-A.
Other names: c.45G>A, p.Leu15= (NM_000323.2, NM_001406743.1, NM_001406744.1 and 38 more transcripts).
Identifiers: ClinVar variation 233052 (VCV000233052.18), dbSNP rs876660157, ClinGen allele CA10578856.

ClinVar aggregate classification (germline): Likely benign. Review status: criteria provided, multiple submitters, no conflicts (2 of 4 stars). 5 submissions from 5 submitters: Likely benign (5). Last evaluated 2025-12-23.

Conditions:
Hereditary cancer-predisposing syndrome. Also called: Neoplastic Syndromes, Hereditary; Tumor predisposition; Hereditary Cancer Syndrome; Hereditary neoplastic syndrome. Identifiers: Orphanet 140162, MedGen C0027672, MeSH D009386, MONDO:0015356.
Multiple endocrine neoplasia, type 2 (MEN2). Identifiers: Orphanet 653, MedGen C4048306, MONDO:0019003. Disease mechanism: gain of function.

Allele frequency attached by ClinVar (database versions not stated): gnomAD exomes below 0.00001 and 0.00001; TOPMed below 0.00001.
gnomAD v4.1: 7 of 1,502,192 alleles (0.00047%); highest among the groups gnomAD compares: Non-Finnish European, 0.00044%; no homozygotes.

Submissions (5):

Labcorp Genetics (formerly Invitae), Labcorp
Classification: Likely benign for Multiple endocrine neoplasia, type 2. Last evaluated: 2025-12-23. Review status: criteria provided, single submitter. Criteria: Invitae Variant Classification Sherloc (09022015). Collection method: clinical testing. Allele origin: germline.

All of Us Research Program, National Institutes of Health
Classification: Likely benign for Multiple endocrine neoplasia, type 2. Last evaluated: 2023-10-02. Review status: criteria provided, single submitter. Criteria: ACMG Guidelines, 2015. Collection method: clinical testing. Allele origin: germline. Inheritance: Autosomal dominant inheritance. Observed: 2 variant alleles, 2 heterozygotes.
Comment: This study involves interpretation of variants in research participants for the purpose of population health screening. Participant phenotype was not available at the time of variant classification. Additional details can be found in publication PMID: 35346344, PMCID: PMC8962531

Color Diagnostics, LLC DBA Color Health
Classification: Likely benign for Multiple endocrine neoplasia, type 2. Last evaluated: 2022-11-06. Review status: criteria provided, single submitter. Criteria: ACMG Guidelines, 2015. Collection method: clinical testing. Allele origin: germline.

PreventionGenetics, part of Exact Sciences
Classification: Likely benign. Last evaluated: 2018-01-12. Review status: criteria provided, single submitter. Criteria: ACMG Guidelines, 2015. Collection method: clinical testing. Allele origin: germline.

Ambry Genetics
Classification: Likely benign for Hereditary cancer-predisposing syndrome. Last evaluated: 2015-07-21. Review status: criteria provided, single submitter. Criteria: Ambry Variant Classification Scheme 2023. Collection method: clinical testing. Allele origin: germline.